The following is an entry in ClinVar:

NM_019035.5(PCDH18):c.3216A>G (p.Pro1072=)

Gene: PCDH18 (protocadherin 18; minus strand). Cytogenetic location: 4q28.3.
Variant type: single nucleotide variant.
Coding change: c.3216A>G on transcript NM_019035.5 (MANE Select); coding-DNA position 3216, A replaced by G.
Protein change: p.Pro1072=; no amino-acid change (proline 1072 retained).
Molecular consequence: synonymous variant.
Genome position (GRCh38, 1-based): chr4:137,521,221, T>C on the plus strand (A>G on the coding strand, the complement: PCDH18 is on the minus strand). VCF-style: chr4-137521221-T-C. GRCh37 (hg19) VCF-style: chr4-138442375-T-C.
Other names: c.3213A>G, p.Pro1071= (NM_001300828.2).
Identifiers: ClinVar variation 2655097 (VCV002655097.24), dbSNP rs146591833, ClinGen allele CA3081161.
Genomic context (GRCh38, chr4:137,521,221, plus strand): 5'-GATCTCCTCCATGGCTGGCAGCCATTTTGAAGAAGGCTGCACACTGGAGTGAGTTCCAAG[T>C]GGCGGCCCACAGTTGGTGGTGGGATTTTGAAAATGCGTACTGGCTGCCCATGCCGCTACC-3'
Protein context (NP_061908.1, residues 1062-1082): FQNPTTNCGP[Pro1072=]LGTHSSVQPS

ClinVar aggregate classification (germline): Likely benign (1 of 4 stars; one submission).

Allele frequency attached by ClinVar (database versions not stated): ESP Exome Variant Server 0.00054; 1000 Genomes Project 0.00060; 1000 Genomes Project 30x 0.00078; gnomAD 0.00094; gnomAD exomes 0.00099; TOPMed 0.00100; ExAC 0.00118.
gnomAD v4.1: 1,648 of 1,613,926 alleles (0.1%); highest among the groups gnomAD compares: Middle Eastern, 2.2%; 7 homozygotes.

Submission:

CeGaT Center for Human Genetics Tuebingen
Classification: Likely benign. Last evaluated: 2023-01-01. Review status: criteria provided, single submitter. Criteria: CeGaT Center For Human Genetics Tuebingen Variant Classification Criteria Version 2. Collection method: clinical testing. Allele origin: germline. Affected: yes. Observed: 1 variant allele.
Comment: PCDH18: BP4, BP7